The following is an entry in ClinVar:

NM_001197104.2(KMT2A):c.2813C>G (p.Ser938Ter)

Gene: KMT2A (lysine methyltransferase 2A; plus strand). Cytogenetic location: 11q23.3.
Variant type: single nucleotide variant.
Coding change: c.2813C>G on transcript NM_001197104.2 (MANE Select); coding-DNA position 2813, C replaced by G.
Protein change: p.Ser938Ter; replaces serine 938 with a stop codon.
Molecular consequence: nonsense.
Genome position (GRCh38, 1-based): chr11:118,473,972, C>G. VCF-style: chr11-118473972-C-G. GRCh37 (hg19) VCF-style: chr11-118344687-C-G.
Other names: c.2912C>G, p.Ser971Ter (NM_001412597.1); c.2813C>G, p.Ser938Ter (NM_005933.4); short protein forms S938*, S971*.
Identifiers: ClinVar variation 2753075 (VCV002753075.3), dbSNP rs2134271866, ClinGen allele CA382818073.

ClinVar aggregate classification (germline): Pathogenic (1 of 4 stars; one submission).

Submission:

Labcorp Genetics (formerly Invitae), Labcorp
Classification: Pathogenic. Last evaluated: 2023-08-16. Review status: criteria provided, single submitter. Criteria: Invitae Variant Classification Sherloc (09022015). Collection method: clinical testing. Allele origin: germline.
Comment: For these reasons, this variant has been classified as Pathogenic. This variant has not been reported in the literature in individuals affected with KMT2A-related conditions. This variant is not present in population databases (gnomAD no frequency). This sequence change creates a premature translational stop signal (p.Ser938*) in the KMT2A gene. It is expected to result in an absent or disrupted protein product. Loss-of-function variants in KMT2A are known to be pathogenic (PMID: 22795537, 25810209, 29574747).

Literature cited by the submitters: PubMed 22795537; PubMed 25810209; PubMed 29574747.